The following is an entry in ClinVar:

ClinVar aggregate classification (germline): Likely benign (1 of 4 stars; one submission).

Conditions:
Glycogen storage disease, type II (IOPD). Also called: Pompe Disease; CARDIOMEGALIA GLYCOGENICA DIFFUSA; GLYCOGENOSIS, GENERALIZED, CARDIAC FORM; GSD II; POMPE DISEASE, INFANTILE-ONSET; GLYCOGEN STORAGE DISEASE II, INFANTILE-ONSET. Identifiers: Orphanet 365, MedGen C0017921, MONDO:0009290, OMIM 232300.

Submission:

Genomenon, Inc
Classification: Likely benign for Glycogen storage disease, type II. Last evaluated: 2026-07-01. Review status: criteria provided, single submitter. Criteria: Genomenon Sequence Variant Interpretation Standards - Updated. Collection method: curation. Allele origin: germline. Affected: no.
Comment: GAA c.547-27A>G is an intronic variant located in intron 2. This variant has been reported in the published literature (PMID:34922579). It is absent or not present at a significant frequency in gnomAD. This variant is not predicted to impact splicing. In conclusion, we classify GAA c.547-27A>G as a likely benign variant.

Literature cited by the submitters: PubMed 34922579.

NM_000152.5(GAA):c.547-27A>G

Gene: GAA (alpha glucosidase; plus strand). Cytogenetic location: 17q25.3.
Variant type: single nucleotide variant.
Coding change: c.547-27A>G on transcript NM_000152.5 (MANE Select); 27 bases into the intron before coding-DNA position 547, A replaced by G.
Molecular consequence: intron variant.
Genome position (GRCh38, 1-based): chr17:80,105,722, A>G. VCF-style: chr17-80105722-A-G. GRCh37 (hg19) VCF-style: chr17-78079521-A-G.
Other names: c.547-27A>G (NM_001406741.1, NM_001406742.1, NM_001079803.3 and 1 more transcripts).
Identifiers: ClinVar variation 4876405 (VCV004876405.1).